The following is an entry in ClinVar:

ClinVar aggregate classification (germline): Likely pathogenic (1 of 4 stars; one submission).

Conditions:
COL10A1-related disorder. Also called: COL10A1-related condition.

Submission:

PreventionGenetics, part of Exact Sciences
Classification: Likely pathogenic for COL10A1-related condition. Last evaluated: 2023-02-06. Review status: criteria provided, single submitter. Criteria: ACMG Guidelines, 2015. Collection method: clinical testing. Allele origin: germline.
Comment: The COL10A1 c.1662T>A variant is predicted to result in the amino acid substitution p.Phe554Leu. To our knowledge, this variant has not been reported in the literature or in a large population database, indicating this variant is rare. This variant is interpreted as likely pathogenic.

NM_000493.4(COL10A1):c.1662T>A (p.Phe554Leu)

Genes: COL10A1 (collagen type X alpha 1 chain; minus strand), NT5DC1 (5'-nucleotidase domain containing 1; plus strand). Cytogenetic location: 6q22.1.
Variant type: single nucleotide variant.
Coding change: c.1662T>A on transcript NM_000493.4 (MANE Select); coding-DNA position 1662, T replaced by A.
Protein change: p.Phe554Leu; replaces phenylalanine 554 with leucine.
Molecular consequence: missense variant. On other transcripts: intron variant (1).
Genome position (GRCh38, 1-based): chr6:116,120,454, A>T on the plus strand (T>A on the coding strand, the complement: COL10A1 is on the minus strand). VCF-style: chr6-116120454-A-T. GRCh37 (hg19) VCF-style: chr6-116441617-A-T.
Other names: c.1662T>A, p.Phe554Leu (NM_001424106.1, NM_001424107.1); c.529+2509A>T (NM_152729.3); short protein forms F554L.
Identifiers: ClinVar variation 2629714 (VCV002629714.1), dbSNP rs2534085175, ClinGen allele CA365387320.
Genomic context (GRCh38, chr6:116,120,454, plus strand): 5'-AATTTTATCAAATGGTATGGGAGTTCCTATTGCTGGGTAAGCTTTGGAGAGAATAACAGT[A>T]AAAGCAGACACAGGCATTCCTGTTACCCCCTGGTTGGCACTAACAAGAGGGGTCCCAGAA-3'
Protein context (NP_000484.2, residues 544-564): QGVTGMPVSA[Phe554Leu]TVILSKAYPA